The following is an entry in ClinVar:

NM_004456.5(EZH2):c.2028T>C (p.Asn676=)

Gene: EZH2 (enhancer of zeste 2 polycomb repressive complex 2 subunit; minus strand). Cytogenetic location: 7q36.1.
Variant type: single nucleotide variant.
Coding change: c.2028T>C on transcript NM_004456.5 (MANE Select); coding-DNA position 2028, T replaced by C.
Protein change: p.Asn676=; no amino-acid change (asparagine 676 retained).
Molecular consequence: synonymous variant.
Genome position (GRCh38, 1-based): chr7:148,810,334, A>G on the plus strand (T>C on the coding strand, the complement: EZH2 is on the minus strand). VCF-style: chr7-148810334-A-G. GRCh37 (hg19) VCF-style: chr7-148507426-A-G.
Other names: c.2013T>C, p.Asn671= (NM_001203247.2); c.1986T>C, p.Asn662= (NM_001203248.2); c.1860T>C, p.Asn620= (NM_001203249.2); c.1896T>C, p.Asn632= (NM_152998.3).
Identifiers: ClinVar variation 158581 (VCV000158581.43), dbSNP rs115842196, ClinGen allele CA172168.

ClinVar aggregate classification (germline): Benign/Likely benign. Review status: criteria provided, multiple submitters, no conflicts (2 of 4 stars). 6 submissions from 6 submitters: Benign (3); Likely benign (3). Last evaluated 2026-01-28.

Conditions:
Weaver syndrome (WVS). Also called: Weaver Smith syndrome; Overgrowth syndrome with accelerated skeletal maturation, unusual facies, and camptodactyly. Identifiers: Orphanet 3447, MedGen C0265210, MONDO:0010193, OMIM 277590.

Allele frequency attached by ClinVar (database versions not stated): gnomAD exomes 0.00036 and 0.00104; ExAC 0.00125; 1000 Genomes Project 0.00379; 1000 Genomes Project 30x 0.00406; gnomAD 0.00421 and 0.00457; TOPMed 0.00433; ESP Exome Variant Server 0.00446.
gnomAD v4.1: 1,182 of 1,603,898 alleles (0.074%); highest among the groups gnomAD compares: African/African-American, 1.4%; 8 homozygotes.

Submissions (6):

Labcorp Genetics (formerly Invitae), Labcorp
Classification: Benign for Weaver syndrome. Last evaluated: 2026-01-28. Review status: criteria provided, single submitter. Criteria: Invitae Variant Classification Sherloc (09022015). Collection method: clinical testing. Allele origin: germline.

Blueprint Genetics
Classification: Likely benign. Last evaluated: 2024-11-13. Review status: criteria provided, single submitter. Criteria: ACMG Guidelines, 2015. Collection method: clinical testing. Allele origin: germline.

CeGaT Center for Human Genetics Tuebingen
Classification: Benign. Last evaluated: 2024-06-01. Review status: criteria provided, single submitter. Criteria: CeGaT Center For Human Genetics Tuebingen Variant Classification Criteria Version 2. Collection method: clinical testing. Allele origin: germline. Affected: yes. Observed: 2 variant alleles.
Comment: EZH2: BP4, BP7, BS1, BS2

Center for Pediatric Genomic Medicine, Children's Mercy Hospital and Clinics
Classification: Likely benign. Last evaluated: 2017-04-19. Review status: criteria provided, single submitter. Criteria: ACMG Guidelines, 2015. Collection method: clinical testing. Allele origin: germline.

GeneDx
Classification: Benign. Last evaluated: 2015-09-25. Review status: criteria provided, single submitter. Criteria: GeneDx Variant Classification (06012015). Collection method: clinical testing. Allele origin: germline. Affected: yes.
Comment: This variant is considered likely benign or benign based on one or more of the following criteria: it is a conservative change, it occurs at a poorly conserved position in the protein, it is predicted to be benign by multiple in silico algorithms, and/or has population frequency not consistent with disease.

Genetic Services Laboratory, University of Chicago
Classification: Likely benign. Last evaluated: 2013-02-08. Review status: criteria provided, single submitter. Criteria: ACMG Guidelines, 2007. Collection method: clinical testing. Allele origin: germline. Inheritance: Autosomal dominant inheritance.